The following is an entry in ClinVar:

NM_015335.5(MED13L):c.5413A>G (p.Ile1805Val)

Gene: MED13L (mediator complex subunit 13L; minus strand). Cytogenetic location: 12q24.21.
Variant type: single nucleotide variant.
Coding change: c.5413A>G on transcript NM_015335.5 (MANE Select); coding-DNA position 5413, A replaced by G.
Protein change: p.Ile1805Val; replaces isoleucine 1805 with valine.
Molecular consequence: missense variant.
Genome position (GRCh38, 1-based): chr12:115,975,690, T>C on the plus strand (A>G on the coding strand, the complement: MED13L is on the minus strand). VCF-style: chr12-115975690-T-C. GRCh37 (hg19) VCF-style: chr12-116413495-T-C.
Other names: short protein forms I1805V.
Identifiers: ClinVar variation 2901114 (VCV002901114.3), dbSNP rs369034017, ClinGen allele CA6810589.

ClinVar aggregate classification (germline): Uncertain significance (1 of 4 stars; one submission).

Conditions:
Dextro-looped transposition of the great arteries. Also called: Dextrotransposition of the great arteries. Identifiers: Orphanet 860, MedGen C3531771, MONDO:0019443, OMIM 608808, HP:0031348.

Allele frequency attached by ClinVar (database versions not stated): TOPMed 0.00006; ESP Exome Variant Server 0.00008; gnomAD 0.00009.
gnomAD v4.1: 142 of 1,613,886 alleles (0.0088%); highest among the groups gnomAD compares: East Asian, 0.016%; no homozygotes.

Submission:

Labcorp Genetics (formerly Invitae), Labcorp
Classification: Uncertain significance for Dextro-looped transposition of the great arteries. Last evaluated: 2025-10-23. Review status: criteria provided, single submitter. Criteria: Invitae Variant Classification Sherloc (09022015). Collection method: clinical testing. Allele origin: germline.
Comment: This sequence change replaces isoleucine, which is neutral and non-polar, with valine, which is neutral and non-polar, at codon 1805 of the MED13L protein (p.Ile1805Val). This variant is present in population databases (rs369034017, gnomAD 0.02%). This missense change has been observed in individual(s) with MED13L-related conditions (PMID: 30564305). ClinVar contains an entry for this variant (Variation ID: 2901114). Invitae Evidence Modeling of protein sequence and biophysical properties (such as structural, functional, and spatial information, amino acid conservation, physicochemical variation, residue mobility, and thermodynamic stability) indicates that this missense variant is not expected to disrupt MED13L protein function with a negative predictive value of 80%. In summary, the available evidence is currently insufficient to determine the role of this variant in disease. Therefore, it has been classified as a Variant of Uncertain Significance.

Literature cited by the submitters: PubMed 30564305.